The following is an entry in ClinVar:

NM_019844.4(SLCO1B3):c.317C>A (p.Thr106Asn)

Genes: SLCO1B3 (solute carrier organic anion transporter family member 1B3; plus strand), SLCO1B3-SLCO1B7 (SLCO1B3-SLCO1B7 readthrough; plus strand). Cytogenetic location: 12p12.2.
Variant type: single nucleotide variant.
Coding change: c.317C>A on transcript NM_019844.4 (MANE Select); coding-DNA position 317, C replaced by A.
Protein change: p.Thr106Asn; replaces threonine 106 with asparagine.
Molecular consequence: missense variant.
Genome position (GRCh38, 1-based): chr12:20,858,529, C>A. VCF-style: chr12-20858529-C-A. GRCh37 (hg19) VCF-style: chr12-21011463-C-A.
Other names: c.317C>A, p.Thr106Asn (NM_001371097.1); c.233C>A, p.Thr78Asn (NM_001349920.2); short protein forms T78N, T106N.
Identifiers: ClinVar variation 4984702 (VCV004984702.1).

ClinVar aggregate classification (germline): Uncertain significance (1 of 4 stars; one submission).

Conditions:
SLCO1B3-related disorder. Also called: SLCO1B3-related condition.

gnomAD v4.1: 70 of 1,604,430 alleles (0.0044%); highest among the groups gnomAD compares: African/African-American, 0.084%; no homozygotes.

Submission:

PreventionGenetics, part of Exact Sciences
Classification: Uncertain significance for SLCO1B3-related condition. Last evaluated: 2026-03-05. Review status: criteria provided, single submitter. Criteria: ACMG Guidelines, 2015. Collection method: clinical testing. Allele origin: germline.
Comment: The SLCO1B3 c.317C>A variant is predicted to result in the amino acid substitution p.Thr106Asn. To our knowledge, this variant has not been reported in the literature. This variant is reported in 0.068% of alleles in individuals of African descent in gnomAD. Although we suspect that this variant may be benign, at this time, the clinical significance of this variant is uncertain due to the absence of conclusive functional and genetic evidence.